The following is an entry in ClinVar:

ClinVar aggregate classification (germline): Uncertain significance. Review status: criteria provided, multiple submitters, no conflicts (2 of 4 stars). 3 submissions from 3 submitters: Uncertain significance (3). Last evaluated 2022-10-17.

Conditions:
Spermatogenic failure 28. Identifiers: MedGen C4748117, MONDO:0054732, OMIM 618086.
Premature ovarian failure 15. Identifiers: MedGen C4748170, MONDO:0054862, OMIM 618096.
Fanconi anemia (FA). Also called: Fanconi's anemia. Identifiers: Orphanet 84, MedGen C0015625, MeSH D005199, MONDO:0019391.

Allele frequency attached by ClinVar (database versions not stated): TOPMed 0.00001.
gnomAD v4.1: 2 of 1,614,116 alleles (0.00012%); highest among the groups gnomAD compares: African/African-American, 0.0027%; no homozygotes.

Submissions (3):

Labcorp Genetics (formerly Invitae), Labcorp
Classification: Uncertain significance for Fanconi anemia. Last evaluated: 2022-10-17. Review status: criteria provided, single submitter. Criteria: Invitae Variant Classification Sherloc (09022015). Collection method: clinical testing. Allele origin: germline.
Comment: This variant has not been reported in the literature in individuals affected with FANCM-related conditions. This sequence change replaces serine, which is neutral and polar, with asparagine, which is neutral and polar, at codon 1783 of the FANCM protein (p.Ser1783Asn). This variant is not present in population databases (gnomAD no frequency). ClinVar contains an entry for this variant (Variation ID: 947041). Algorithms developed to predict the effect of missense changes on protein structure and function output the following: SIFT: "Tolerated"; PolyPhen-2: "Benign"; Align-GVGD: "Class C0". The asparagine amino acid residue is found in multiple mammalian species, which suggests that this missense change does not adversely affect protein function. In summary, the available evidence is currently insufficient to determine the role of this variant in disease. Therefore, it has been classified as a Variant of Uncertain Significance.

GeneDx
Classification: Uncertain significance. Last evaluated: 2022-06-23. Review status: criteria provided, single submitter. Criteria: GeneDx Variant Classification Process June 2021. Collection method: clinical testing. Allele origin: germline. Affected: yes.
Comment: While protein-based in silico analysis supports that this missense variant does not alter protein structure/function, splice predictors suggest it may impact gene splicing. In the absence of RNA or functional studies, the actual effect of this sequence change is unknown.; Not observed in large population cohorts (gnomAD); Has not been previously published as pathogenic or benign to our knowledge

Fulgent Genetics
Classification: Uncertain significance for Spermatogenic failure 28; Premature ovarian failure 15. Last evaluated: 2021-07-09. Review status: criteria provided, single submitter. Criteria: ACMG Guidelines, 2015. Collection method: clinical testing. Allele origin: unknown.

NM_020937.4(FANCM):c.5348G>A (p.Ser1783Asn)

Gene: FANCM (FA complementation group M; plus strand). Cytogenetic location: 14q21.2.
Variant type: single nucleotide variant.
Coding change: c.5348G>A on transcript NM_020937.4 (MANE Select); coding-DNA position 5348, G replaced by A.
Protein change: p.Ser1783Asn; replaces serine 1783 with asparagine.
Molecular consequence: missense variant.
Genome position (GRCh38, 1-based): chr14:45,196,179, G>A. VCF-style: chr14-45196179-G-A. GRCh37 (hg19) VCF-style: chr14-45665382-G-A.
Other names: c.5270G>A, p.Ser1757Asn (NM_001308133.2); short protein forms S1757N, S1783N.
Identifiers: ClinVar variation 947041 (VCV000947041.13), dbSNP rs997324391, ClinGen allele CA259601450.